The following is an entry in ClinVar:

ClinVar aggregate classification (germline): Uncertain significance (1 of 4 stars; one submission).

Submission:

Labcorp Genetics (formerly Invitae), Labcorp
Classification: Uncertain significance. Last evaluated: 2024-10-02. Review status: criteria provided, single submitter. Criteria: Invitae Variant Classification Sherloc (09022015). Collection method: clinical testing. Allele origin: germline.
Comment: This sequence change replaces isoleucine, which is neutral and non-polar, with valine, which is neutral and non-polar, at codon 565 of the ITSN2 protein (p.Ile565Val). This variant is not present in population databases (gnomAD no frequency). This variant has not been reported in the literature in individuals affected with ITSN2-related conditions. Experimental studies and prediction algorithms are not available or were not evaluated, and the functional significance of this variant is currently unknown. In summary, the available evidence is currently insufficient to determine the role of this variant in disease. Therefore, it has been classified as a Variant of Uncertain Significance.

NM_006277.3(ITSN2):c.1693A>G (p.Ile565Val)

Gene: ITSN2 (intersectin 2; minus strand). Cytogenetic location: 2p23.3.
Variant type: single nucleotide variant.
Coding change: c.1693A>G on transcript NM_006277.3 (MANE Select); coding-DNA position 1693, A replaced by G.
Protein change: p.Ile565Val; replaces isoleucine 565 with valine.
Molecular consequence: missense variant.
Genome position (GRCh38, 1-based): chr2:24,293,718, T>C on the plus strand (A>G on the coding strand, the complement: ITSN2 is on the minus strand). VCF-style: chr2-24293718-T-C. GRCh37 (hg19) VCF-style: chr2-24516587-T-C.
Other names: c.1651A>G, p.Ile551Val (NM_001348181.2, NM_001348184.2); c.1693A>G, p.Ile565Val (NM_001348182.2, NM_001348183.2, NM_001348185.2 and 3 more transcripts); short protein forms I565V, I551V.
Identifiers: ClinVar variation 3722013 (VCV003722013.2).